The following is an entry in ClinVar:

NM_006231.4(POLE):c.2236A>G (p.Ile746Val)

Gene: POLE (DNA polymerase epsilon, catalytic subunit; minus strand). Cytogenetic location: 12q24.33.
Variant type: single nucleotide variant.
Coding change: c.2236A>G on transcript NM_006231.4 (MANE Select); coding-DNA position 2236, A replaced by G.
Protein change: p.Ile746Val; replaces isoleucine 746 with valine.
Molecular consequence: missense variant.
Genome position (GRCh38, 1-based): chr12:132,667,586, T>C on the plus strand (A>G on the coding strand, the complement: POLE is on the minus strand). VCF-style: chr12-132667586-T-C. GRCh37 (hg19) VCF-style: chr12-133244172-T-C.
Other names: short protein forms I746V.
Identifiers: ClinVar variation 632958 (VCV000632958.10), dbSNP rs1480527153, ClinGen allele CA387352244.

ClinVar aggregate classification (germline): Conflicting classifications of pathogenicity. Review status: criteria provided, conflicting classifications (1 of 4 stars). 4 submissions from 4 submitters: Uncertain significance (3); Likely benign (1). Last evaluated 2025-01-28.

Conditions:
Hereditary cancer-predisposing syndrome. Also called: Tumor predisposition; Neoplastic Syndromes, Hereditary; Hereditary neoplastic syndrome; Hereditary Cancer Syndrome. Identifiers: Orphanet 140162, MedGen C0027672, MeSH D009386, MONDO:0015356.
Colorectal cancer, susceptibility to, 12 (CRCS12). Also called: COLORECTAL CANCER, SUSCEPTIBILITY TO, ON CHROMOSOME 12q24. Identifiers: Orphanet 220460, MedGen C3554460, MONDO:0014038, OMIM 615083.

Allele frequency attached by ClinVar (database versions not stated): gnomAD exomes below 0.00001; TOPMed 0.00001.
gnomAD v4.1: 1 of 1,614,124 alleles (0.000062%); highest among the groups gnomAD compares: Non-Finnish European, 0.000085%; no homozygotes.

Submissions (4):

Ambry Genetics
Classification: Likely benign for Hereditary cancer-predisposing syndrome. Last evaluated: 2025-01-28. Review status: criteria provided, single submitter. Criteria: Ambry Variant Classification Scheme 2023. Collection method: clinical testing. Allele origin: germline.

Labcorp Genetics (formerly Invitae), Labcorp
Classification: Uncertain significance. Last evaluated: 2024-05-11. Review status: criteria provided, single submitter. Criteria: Invitae Variant Classification Sherloc (09022015). Collection method: clinical testing. Allele origin: germline.
Comment: This sequence change replaces isoleucine, which is neutral and non-polar, with valine, which is neutral and non-polar, at codon 746 of the POLE protein (p.Ile746Val). This variant is not present in population databases (gnomAD no frequency). This variant has not been reported in the literature in individuals affected with POLE-related conditions. ClinVar contains an entry for this variant (Variation ID: 632958). Advanced modeling of protein sequence and biophysical properties (such as structural, functional, and spatial information, amino acid conservation, physicochemical variation, residue mobility, and thermodynamic stability) performed at Invitae indicates that this missense variant is not expected to disrupt POLE protein function with a negative predictive value of 80%. In summary, the available evidence is currently insufficient to determine the role of this variant in disease. Therefore, it has been classified as a Variant of Uncertain Significance.

Mendelics
Classification: Uncertain significance for Colorectal cancer, susceptibility to, 12. Last evaluated: 2019-05-28. Review status: criteria provided, single submitter. Criteria: Mendelics Assertion Criteria 2017. Collection method: clinical testing. Allele origin: unknown.

Women's Health and Genetics/Laboratory Corporation of America, LabCorp
Classification: Uncertain significance. Last evaluated: 2018-07-10. Review status: criteria provided, single submitter. Criteria: LabCorp Variant Classification Summary - May 2015. Collection method: clinical testing. Allele origin: germline.
Comment: Variant summary: POLE c.2236A>G (p.Ile746Val) results in a conservative amino acid change located in the DNA-directed DNA polymerase, family B, multifunctional domain of the encoded protein sequence. Four of five in-silico tools predict a benign effect of the variant on protein function. The variant was absent in 246264 control chromosomes (gnomAD). The available data on variant occurrences in the general population are insufficient to allow any conclusion about variant significance. To our knowledge, no occurrence of c.2236A>G in individuals affected with Colorectal Cancer and no experimental evidence demonstrating its impact on protein function have been reported. No clinical diagnostic laboratories have submitted clinical-significance assessments for this variant to ClinVar after 2014. Based on the evidence outlined above, the variant was classified as uncertain significance.